The following is an entry in ClinVar:

NM_145167.3(PIGM):c.458T>G (p.Leu153Arg)

Gene: PIGM (phosphatidylinositol glycan anchor biosynthesis class M; minus strand). Cytogenetic location: 1q23.2.
Variant type: single nucleotide variant.
Coding change: c.458T>G on transcript NM_145167.3 (MANE Select); coding-DNA position 458, T replaced by G.
Protein change: p.Leu153Arg; replaces leucine 153 with arginine.
Molecular consequence: missense variant.
Genome position (GRCh38, 1-based): chr1:160,031,282, A>C on the plus strand (T>G on the coding strand, the complement: PIGM is on the minus strand). VCF-style: chr1-160031282-A-C. GRCh37 (hg19) VCF-style: chr1-160001072-A-C.
Other names: short protein forms L153R.
Identifiers: ClinVar variation 3611892 (VCV003611892.2).
Genomic context (GRCh38, chr1:160,031,282, plus strand): 5'-TAGAATACAGCTGCACACGCGACGAGTCTTTTCTTTATCAAGTAGAGGACCATCAGGACC[A>C]GGGAGGCGACAATAGAGTCCGCATTACCGCGGCTGGATACTGCCATAGGCAGGGGGTTAA-3'
Protein context (NP_660150.1, residues 143-163): RGNADSIVAS[Leu153Arg]VLMVLYLIKK

ClinVar aggregate classification (germline): Uncertain significance (1 of 4 stars; one submission).

Conditions:
Hypercoagulability syndrome due to glycosylphosphatidylinositol deficiency (GPIBD1). Also called: GLYCOSYLPHOSPHATIDYLINOSITOL BIOSYNTHESIS DEFECT 1. Identifiers: Orphanet 83639, MedGen C5201145, MONDO:0012465, OMIM 610293.

Submission:

Labcorp Genetics (formerly Invitae), Labcorp
Classification: Uncertain significance for Hypercoagulability syndrome due to glycosylphosphatidylinositol deficiency. Last evaluated: 2024-10-03. Review status: criteria provided, single submitter. Criteria: Invitae Variant Classification Sherloc (09022015). Collection method: clinical testing. Allele origin: germline.
Comment: This sequence change replaces leucine, which is neutral and non-polar, with arginine, which is basic and polar, at codon 153 of the PIGM protein (p.Leu153Arg). This variant is not present in population databases (gnomAD no frequency). This variant has not been reported in the literature in individuals affected with PIGM-related conditions. Invitae Evidence Modeling of protein sequence and biophysical properties (such as structural, functional, and spatial information, amino acid conservation, physicochemical variation, residue mobility, and thermodynamic stability) indicates that this missense variant is expected to disrupt PIGM protein function with a positive predictive value of 80%. In summary, the available evidence is currently insufficient to determine the role of this variant in disease. Therefore, it has been classified as a Variant of Uncertain Significance.